The following is an entry in ClinVar:

ClinVar aggregate classification (germline): Conflicting classifications of pathogenicity. Review status: criteria provided, conflicting classifications (1 of 4 stars). 5 submissions from 5 submitters: Uncertain significance (3); Likely benign (1). 1 of the submissions does not count toward it. Last evaluated 2025-12-29.

Conditions:
PKHD1-related disorder. Also called: PKHD1-related condition.
Polycystic kidney disease 4 (PKD4). Also called: PKD3; Autosomal Recessive Polycystic Kidney Disease – PKHD1; POLYCYSTIC KIDNEY AND HEPATIC DISEASE 1; POLYCYSTIC KIDNEY DISEASE, INFANTILE, TYPE I; POLYCYSTIC KIDNEY DISEASE 4 WITH OR WITHOUT POLYCYSTIC LIVER DISEASE. Identifiers: MedGen C4540575, MONDO:0033004, OMIM 263200.
Autosomal recessive polycystic kidney disease (ARPKD). Also called: AR polycystic kidney disease. Identifiers: Orphanet 731, Orphanet 8378, MedGen C0085548, MeSH D017044, MONDO:0009889.

Allele frequency attached by ClinVar (database versions not stated): TOPMed 0.00005; gnomAD exomes 0.00006 and 0.00010; gnomAD 0.00010 and 0.00011; ESP Exome Variant Server 0.00015; ExAC 0.00016.
gnomAD v4.1: 104 of 1,601,198 alleles (0.0065%); highest among the groups gnomAD compares: Non-Finnish European, 0.008%; no homozygotes.

Submissions (5):

PreventionGenetics, part of Exact Sciences
Classification: Uncertain significance for PKHD1-related condition. Last evaluated: 2025-12-29. Review status: criteria provided, single submitter. Criteria: ACMG Guidelines, 2015. Collection method: clinical testing. Allele origin: germline.
Comment: The PKHD1 c.11175-10T>G variant is predicted to interfere with splicing. This variant is predicted to alter splicing based on available splicing prediction programs (SpliceAI, Jaganathan et al. 2019. PubMed ID: 30661751). However, the use of computer prediction programs is not equivalent to functional evidence. To our knowledge, this variant has not been reported in the literature in individuals with PKHD1-related conditions. A mini-gene based splice assay in HEK 293T and Hela cells has shown that this variant can cause aberrant splicing, resulting in multiple transcripts with various effects on the protein (Zhang et al. 2024. PubMed ID: 39521997). This variant is reported in 0.017% of alleles in individuals of European (Non-Finnish) descent in gnomAD. At this time, the clinical significance of this variant is uncertain due to the absence of conclusive functional and genetic evidence.

Myriad Genetics, Inc.
Classification: Uncertain significance for Polycystic kidney disease 4. Last evaluated: 2025-08-27. Review status: criteria provided, single submitter. Criteria: Myriad Autosomal Dominant, Autosomal Recessive and X-Linked Classification Criteria (2023). Collection method: clinical testing. Allele origin: unknown.
Comment: NM_138694.3(PKHD1):c.11175-10T>G is an intronic variant classified as a variant of uncertain significance in the context of autosomal recessive polycystic kidney disease, PKHD1-related. c.11175-10T>G has not been observed in cases with relevant disease. Relevant functional assessments of this variant are available in the literature (PMID: 39521997). c.11175-10T>G has been observed in referenced population frequency databases. In summary, there is insufficient evidence to classify NM_138694.3(PKHD1):c.11175-10T>G as pathogenic or benign. Please note: this variant was assessed in the context of healthy population screening.

Labcorp Genetics (formerly Invitae), Labcorp
Classification: Likely benign for Autosomal recessive polycystic kidney disease. Last evaluated: 2024-10-07. Review status: criteria provided, single submitter. Criteria: Invitae Variant Classification Sherloc (09022015). Collection method: clinical testing. Allele origin: germline.

Fulgent Genetics
Classification: Uncertain significance for Polycystic kidney disease 4. Last evaluated: 2024-02-24. Review status: criteria provided, single submitter. Criteria: ACMG Guidelines, 2015. Collection method: clinical testing. Allele origin: germline.

Department of Pathology and Laboratory Medicine, Sinai Health System
Classification: Uncertain significance. Review status: no assertion criteria provided. Collection method: clinical testing. Allele origin: unknown. Affected: yes. Study: The Canadian Open Genetics Repository (COGR). Not counted in ClinVar's aggregate classification.
Comment: The PKHD1 c.11175-10T>G variant was not identified in the literature nor was it identified in ClinVar, LOVD 3.0 or the RWTH AAachen University ARPKD database. The associated condition is Polycystic kidney disease 4, with or without hepatic disease, inherited in an autosomal recessive manner. The variant was identified in dbSNP (ID: rs373424543) and in control databases in 27 of 281438 chromosomes at a frequency of 0.000096 (Genome Aggregation Database Feb 27, 2017). The variant was observed in the following populations: Other in 4 of 7170 chromosomes (freq: 0.000558), European (non-Finnish) in 22 of 128538 chromosomes (freq: 0.000171) and European (Finnish) in 1 of 24652 chromosomes (freq: 0.000041); it was not observed in the African, Latino, Ashkenazi Jewish, East Asian and South Asian populations. The variant occurs outside of the splicing consensus sequence however 4 of 4 in silico or computational prediction software programs (SpliceSiteFinder, MaxEntScan, NNSPLICE, GeneSplicer) predict a greater than 10% difference in splicing and the creation of a new 3' splice site at the location of the variant (c.11175-10). However, this information is not predictive enough to assume pathogenicity. Further, MutationTaster classifies the variant as a polymorphism. In summary, based on the above information the clinical significance of this variant cannot be determined with certainty at this time. This variant is classified as a variant of uncertain significance.

Literature cited by the submitters: PubMed 39521997 (cited by Myriad Genetics, Inc.).

NM_138694.4(PKHD1):c.11175-10T>G

Gene: PKHD1 (PKHD1 ciliary IPT domain containing fibrocystin/polyductin; minus strand). Cytogenetic location: 6p12.3.
Variant type: single nucleotide variant.
Coding change: c.11175-10T>G on transcript NM_138694.4 (MANE Select); 10 bases into the intron before coding-DNA position 11175, T replaced by G.
Molecular consequence: intron variant.
Genome position (GRCh38, 1-based): chr6:51,649,230, A>C on the plus strand (T>G on the coding strand, the complement: PKHD1 is on the minus strand). VCF-style: chr6-51649230-A-C. GRCh37 (hg19) VCF-style: chr6-51514028-A-C.
Identifiers: ClinVar variation 699657 (VCV000699657.13), dbSNP rs373424543, ClinGen allele CA3850932.
Genomic context (GRCh38, chr6:51,649,230, plus strand): 5'-GCATAGGGCCGAATATATATCAAGTTCCCAGTTTTAAAACTGCTTGTATTTCTGACAGAT[A>C]TAAAAACAAACAAAATACATCCTTAGGATTACACATATCCCTATGGTAGCAATTTTCCAC-3'